The following is an entry in ClinVar:

NM_004646.4(NPHS1):c.3388-41A>G

Gene: NPHS1 (NPHS1 adhesion molecule, nephrin; minus strand). Cytogenetic location: 19q13.12.
Variant type: single nucleotide variant.
Coding change: c.3388-41A>G on transcript NM_004646.4 (MANE Select); 41 bases into the intron before coding-DNA position 3388, A replaced by G.
Molecular consequence: intron variant.
Genome position (GRCh38, 1-based): chr19:35,831,187, T>C on the plus strand (A>G on the coding strand, the complement: NPHS1 is on the minus strand). VCF-style: chr19-35831187-T-C. GRCh37 (hg19) VCF-style: chr19-36322089-T-C.
Identifiers: ClinVar variation 977123 (VCV000977123.2), dbSNP rs1972875644, ClinGen allele CA1139666417.
Genomic context (GRCh38, chr19:35,831,187, plus strand): 5'-TCTGCCTCTGTTGTGCTGACCTGTTCCCCACACGCAAAACAAACAAAGCCCTTTCCATCC[T>C]CTGACCCCACTGTGCCCGGAAGGGCAATGATCAACCTGATGCTAACGGCAGGGCTTCAGT-3'

ClinVar aggregate classification (germline): drug response (0 of 4 stars; one submission).

Conditions:
Corticosteroids response. Also called: Corticosteroid response.

Submission:

Genetic Testing Lab, Ashok and Rita Patel Institute of Integrated Study and Research in Biotechnology and Allied Sciences
Classification: drug response for Corticosteroid response. Last evaluated: 2020-01-12. Review status: no assertion criteria provided. Collection method: research. Allele origin: somatic. Affected: yes. Observed: 27 variant alleles.
Comment: Depending upon patients response to standard corticosteroids therapy, they were classified to be either Steroid resistance(SRNS) or steroid sensitive(SSNS)